The following is an entry in ClinVar:

NM_152419.3(HGSNAT):c.1129-222G>A

Gene: HGSNAT (heparan-alpha-glucosaminide N-acetyltransferase; plus strand). Cytogenetic location: 8p11.21.
Variant type: single nucleotide variant.
Coding change: c.1129-222G>A on transcript NM_152419.3 (MANE Select); 222 bases into the intron before coding-DNA position 1129, G replaced by A.
Molecular consequence: intron variant.
Genome position (GRCh38, 1-based): chr8:43,191,252, G>A. VCF-style: chr8-43191252-G-A. GRCh37 (hg19) VCF-style: chr8-43046395-G-A.
Other names: c.1129-222G>A (NM_001363227.2); c.265-222G>A (NM_001363229.2); c.937-222G>A (NM_001363228.2).
Identifiers: ClinVar variation 684171 (VCV000684171.1), dbSNP rs34826093, ClinGen allele CA12788708.

ClinVar aggregate classification (germline): Benign (1 of 4 stars; one submission).

Allele frequency attached by ClinVar (database versions not stated): 1000 Genomes Project 30x 0.69019; 1000 Genomes Project 0.69489; TOPMed 0.72546; gnomAD 0.74278 and 0.74758.
gnomAD v4.1: 113,854 of 152,110 alleles (75%); highest among the groups gnomAD compares: Non-Finnish European, 88%; 45,125 homozygotes.

Submission:

GeneDx
Classification: Benign. Last evaluated: 2018-06-19. Review status: criteria provided, single submitter. Criteria: GeneDx Variant Classification (06012015). Collection method: clinical testing. Allele origin: germline. Affected: yes.
Comment: This variant is considered likely benign or benign based on one or more of the following criteria: it is a conservative change, it occurs at a poorly conserved position in the protein, it is predicted to be benign by multiple in silico algorithms, and/or has population frequency not consistent with disease.